The following is an entry in ClinVar:

ClinVar aggregate classification (germline): Uncertain significance (1 of 4 stars; one submission).

Conditions:
KMT2D-related disorder. Also called: KMT2D-Related Disorders.

Submission:

PreventionGenetics, part of Exact Sciences
Classification: Uncertain significance for KMT2D-related condition. Last evaluated: 2023-05-10. Review status: criteria provided, single submitter. Criteria: ACMG Guidelines, 2015. Collection method: clinical testing. Allele origin: germline.
Comment: The KMT2D c.9806A>G variant is predicted to result in the amino acid substitution p.Gln3269Arg. To our knowledge, this variant has not been reported in the literature or in a large population database, indicating this variant is rare. At this time, the clinical significance of this variant is uncertain due to the absence of conclusive functional and genetic evidence.

NM_003482.4(KMT2D):c.9806A>G (p.Gln3269Arg)

Gene: KMT2D (lysine methyltransferase 2D; minus strand). Cytogenetic location: 12q13.12.
Variant type: single nucleotide variant.
Coding change: c.9806A>G on transcript NM_003482.4 (MANE Select); coding-DNA position 9806, A replaced by G.
Protein change: p.Gln3269Arg; replaces glutamine 3269 with arginine.
Molecular consequence: missense variant.
Genome position (GRCh38, 1-based): chr12:49,037,550, T>C on the plus strand (A>G on the coding strand, the complement: KMT2D is on the minus strand). VCF-style: chr12-49037550-T-C. GRCh37 (hg19) VCF-style: chr12-49431333-T-C.
Other names: short protein forms Q3269R.
Identifiers: ClinVar variation 2629029 (VCV002629029.1), dbSNP rs1280615207, ClinGen allele CA384734433.
Genomic context (GRCh38, chr12:49,037,550, plus strand): 5'-GGTGCAGACAGTAGGGAATGCTGCTGCTGCTGTTGCTGCTGCTGCTGGGCAGGCTGCAAC[T>C]GTGCTGAAAGCTGCTGCTTCTTCTGCAGCTCCTTCTTCTCATGCTCCAACAGGTCCTCAA-3'
Protein context (NP_003473.3, residues 3259-3279): ELQKKQQLSA[Gln3269Arg]LQPAQQQQQQ